The following is an entry in ClinVar:

ClinVar aggregate classification (germline): Uncertain significance. Review status: criteria provided, multiple submitters, no conflicts (2 of 4 stars). 3 submissions from 3 submitters: Uncertain significance (3). Last evaluated 2025-09-22.

Conditions:
Inborn genetic diseases. Identifiers: MedGen C0950123, MeSH D030342.

Allele frequency attached by ClinVar (database versions not stated): ExAC 0.00013; 1000 Genomes Project 0.00020; ESP Exome Variant Server 0.00023; 1000 Genomes Project 30x 0.00031; gnomAD 0.00034 and 0.00036.

Submissions (3):

GeneDx
Classification: Uncertain significance. Last evaluated: 2025-09-22. Review status: criteria provided, single submitter. Criteria: GeneDx Variant Classification Process June 2021. Collection method: clinical testing. Allele origin: germline. Affected: yes.
Comment: In silico analysis supports that this missense variant has a deleterious effect on protein structure/function; Has not been previously published as pathogenic or benign to our knowledge

Ambry Genetics
Classification: Uncertain significance for Inborn genetic diseases. Last evaluated: 2025-02-07. Review status: criteria provided, single submitter. Criteria: Ambry Variant Classification Scheme 2023. Collection method: clinical testing. Allele origin: germline.
Comment: The c.11541T>G (p.F3847L) alteration is located in exon 75 (coding exon 74) of the HERC2 gene. This alteration results from a T to G substitution at nucleotide position 11541, causing the phenylalanine (F) at amino acid position 3847 to be replaced by a leucine (L). The heterozygous missense change is ultra rare in healthy individuals: Based on data from the NHLBI Exome Sequencing Project (ESP), the HERC2 c.11541T>G alteration was observed in 3 among 12918 total alleles studied (0.02%). Allele frequency data for this nucleotide position are not currently available from the 1000 Genomes Project. This variant is reported in the SNPDatabase as rs377666529. Based on data from ExAC, the X allele has an overall frequency of approximately 0.013% (9/70900). The highest observed frequency was 0.13% (8/6346) of African alleles (Exome Aggregation Consortium (ExAC), Cambridge, MA (URL) [Accessed August 4, 2016]). This amino acid position is highly conserved in available vertebrate species. In addition, this alteration is predicted to be benign and tolerated by PolyPhen and SIFT in silico analyses, respectively. Based on insufficient or conflicting evidence, the clinical significance of this alteration remains unclear.

Mendelics
Classification: Uncertain significance. Last evaluated: 2022-05-04. Review status: criteria provided, single submitter. Criteria: Mendelics Assertion Criteria 2019. Collection method: clinical testing. Allele origin: germline.

NM_004667.6(HERC2):c.11541T>G (p.Phe3847Leu)

Gene: HERC2 (HECT and RLD domain containing E3 ubiquitin protein ligase 2; minus strand). Cytogenetic location: 15q13.1.
Variant type: single nucleotide variant.
Coding change: c.11541T>G on transcript NM_004667.6 (MANE Select); coding-DNA position 11541, T replaced by G.
Protein change: p.Phe3847Leu; replaces phenylalanine 3847 with leucine.
Molecular consequence: missense variant.
Genome position (GRCh38, 1-based): chr15:28,142,830, A>C on the plus strand (T>G on the coding strand, the complement: HERC2 is on the minus strand). VCF-style: chr15-28142830-A-C. GRCh37 (hg19) VCF-style: chr15-28387976-A-C.
Other names: c.11541T>G (NM_004667.4); short protein forms F3847L.
Identifiers: ClinVar variation 1318712 (VCV001318712.10), dbSNP rs377666529, ClinGen allele CA7440540.